The following is an entry in ClinVar:

NM_000264.5(PTCH1):c.2073C>T (p.Thr691=)

Genes: PTCH1 (patched 1; minus strand), LOC100507346 (uncharacterized LOC100507346; plus strand). Cytogenetic location: 9q22.32.
Variant type: single nucleotide variant.
Coding change: c.2073C>T on transcript NM_000264.5 (MANE Select); coding-DNA position 2073, C replaced by T.
Protein change: p.Thr691=; no amino-acid change (threonine 691 retained).
Molecular consequence: synonymous variant. On other transcripts: non-coding transcript variant (2).
Genome position (GRCh38, 1-based): chr9:95,468,928, G>A on the plus strand (C>T on the coding strand, the complement: PTCH1 is on the minus strand). VCF-style: chr9-95468928-G-A. GRCh37 (hg19) VCF-style: chr9-98231210-G-A.
Other names: c.1875C>T, p.Thr625= (NM_001083602.3); c.2070C>T, p.Thr690= (NM_001083603.3); c.1620C>T, p.Thr540= (NM_001083604.3, NM_001083605.3, NM_001083606.3 and 1 more transcripts); c.1917C>T, p.Thr639= (NM_001354918.2).
Identifiers: ClinVar variation 215686 (VCV000215686.16), dbSNP rs371643436, ClinGen allele CA338085.

ClinVar aggregate classification (germline): Benign/Likely benign. Review status: criteria provided, multiple submitters, no conflicts (2 of 4 stars). 3 submissions from 3 submitters: Benign (1); Likely benign (2). Last evaluated 2026-01-19.

Conditions:
Hereditary cancer-predisposing syndrome. Also called: Tumor predisposition; Hereditary Cancer Syndrome; Neoplastic Syndromes, Hereditary; Hereditary neoplastic syndrome. Identifiers: Orphanet 140162, MedGen C0027672, MeSH D009386, MONDO:0015356.
Gorlin syndrome. Also called: Nevoid Basal Cell Carcinoma Syndrome; Basal cell nevus syndrome. Identifiers: Orphanet 377, MedGen C0004779, MONDO:0007187.

Allele frequency attached by ClinVar (database versions not stated): gnomAD 0.00001 and 0.00003; gnomAD exomes 0.00002; ExAC 0.00003; TOPMed 0.00003; ESP Exome Variant Server 0.00008.

Submissions (3):

Labcorp Genetics (formerly Invitae), Labcorp
Classification: Benign for Gorlin syndrome. Last evaluated: 2026-01-19. Review status: criteria provided, single submitter. Criteria: Invitae Variant Classification Sherloc (09022015). Collection method: clinical testing. Allele origin: germline.

GeneDx
Classification: Likely benign. Last evaluated: 2017-08-21. Review status: criteria provided, single submitter. Criteria: GeneDx Variant Classification (06012015). Collection method: clinical testing. Allele origin: germline. Affected: yes.
Comment: This variant is considered likely benign or benign based on one or more of the following criteria: it is a conservative change, it occurs at a poorly conserved position in the protein, it is predicted to be benign by multiple in silico algorithms, and/or has population frequency not consistent with disease.

Ambry Genetics
Classification: Likely benign for Hereditary cancer-predisposing syndrome. Last evaluated: 2016-11-29. Review status: criteria provided, single submitter. Criteria: Ambry Variant Classification Scheme 2023. Collection method: clinical testing. Allele origin: germline.